The following continues an entry in ClinVar:

NM_000540.3(RYR1):c.1655G>A (p.Arg552Gln)

Gene: RYR1. ClinVar aggregate classification (germline): Conflicting classifications of pathogenicity. Pathogenic (1); Likely pathogenic (9); Uncertain significance (2).

Submissions 8 to 13 of 13:

Laboratory for Molecular Medicine, Mass General Brigham Personalized Medicine
Classification: Likely pathogenic for Malignant hyperthermia of anesthesia. Last evaluated: 2024-01-31. Review status: criteria provided, single submitter. Criteria: ACMG Guidelines, 2015. Collection method: clinical testing. Allele origin: germline. Inheritance: Autosomal dominant inheritance.
Comment: The p.Arg552Gln variant in RYR1 has been reported in 1 heterozygous individual with malignant hyperthermia and 1 heterozygous individual with inherited peripheral neuropathy, and in the latter case it segregated with disease in the affected father (Klingler 2014 PMID: 24433488, Schabhüttl 2014 PMID: 24627108). It has also been identified in 0.004% (4/91076) of South Asian chromosomes by gnomAD (v4.0.0). This variant has been reported in ClinVar (Variation ID 872071). Computational prediction tools and conservation analyses are consistent with pathogenicity. This variant occurs in one of the mutation hotspots of RYR1, where the majority of pathogenic variants in this gene have been identified (Johnston 2021 PMID: 33767344). Another variant involving this codon (p.Arg552Trp) has been identified in individuals with malignant hyperthermia and is classified as likely pathogenic by this laboratory as well as the ClinGen Malignant Hyperthermia Susceptibility Variant Curation Expert Panel. In summary, although additional studies are required to fully establish its clinical significance, this variant meets criteria to be classified as likely pathogenic for autosomal dominant malignant hyperthermia susceptibility. ACMG/AMP Criteria applied: PM1, PM5, PP3, PS4_Supporting.

Blueprint Genetics
Classification: Uncertain significance. Last evaluated: 2023-12-14. Review status: criteria provided, single submitter. Criteria: ACMG Guidelines, 2015. Collection method: clinical testing. Allele origin: germline.

3billion
Classification: Pathogenic for Central core myopathy. Last evaluated: 2023-07-31. Review status: criteria provided, single submitter. Criteria: ACMG Guidelines, 2015. Collection method: clinical testing. Allele origin: germline. Affected: yes.
Comment: The variant is observed at an extremely low frequency in the gnomAD v2.1.1 dataset (total allele frequency: 0.003%). Predicted Consequence/Location: The variant is located in a mutational hot spot and/or well-established functional domain in which established pathogenic variants have been reported (PMID: 33767344). In silico tool predictions suggest damaging effect of the variant on gene or gene product (REVEL: 0.91; 3Cnet: 0.89). Same nucleotide change resulting in same amino acid change has been previously reported as pathogenic/likely pathogenic with strong evidence (ClinVar ID: VCV000872071 /PMID: 24627108). The variant has been reported to co-segregate with the disease in at least one similarly affected relative/individual in the same family or similarly affected unrelated family (PMID: 24627108). A different missense change at the same codon (p.Arg552Trp) has been reported as pathogenic/likely pathogenic with strong evidence (ClinVar ID: VCV000133106 /PMID: 9138151). Therefore, this variant is classified as Pathogenic according to the recommendation of ACMG/AMP guideline.

CeGaT Center for Human Genetics Tuebingen
Classification: Uncertain significance. Last evaluated: 2022-06-01. Review status: criteria provided, single submitter. Criteria: CeGaT Center For Human Genetics Tuebingen Variant Classification Criteria Version 2. Collection method: clinical testing. Allele origin: germline. Affected: yes. Observed: 2 variant alleles.

Human Genome Sequencing Center Clinical Lab, Baylor College of Medicine
Classification: Likely pathogenic for Malignant hyperthermia suceptibility 1. Last evaluated: 2019-08-21. Review status: criteria provided, single submitter. Criteria: ACMG Guidelines, 2015. Collection method: clinical testing. Allele origin: germline.
Comment: The c.1655G>A (p.Arg552Gln) variant in exon 15 of the RYR1 gene results in an amino acid change at residue 552 from an arginine to a glutamine. This variant is observed at a low minor allele frequency in the population database gnomAD (8/251470). Almost all MHS-causing variants are missense variants like this one. It is also located in a mutational hot spot from amino acid residues 35 to 614 (N-terminal region) (PMID: 10790202). Another variant at the same residue (p.Arg552Trp) has been described in multiple unrelated patients (PMID: 16244001, 25658027, 2598378) and segregated in one Irish family (PMID: 9138151) with malignant hyperthermia, suggesting that the p.Arg552 residue is critical for normal function of the RYR1 protein. Multiple lines of prediction algorithms support the deleterious effect of the p.Arg552Gln variant. Though this variant has not been reported as disease-causing for malignant hyperthermia, in light of the currently available data this RYR1 variant is classified as likely pathogenic.

All of Us Research Program, National Institutes of Health
Classification: Likely pathogenic for Malignant hyperthermia, susceptibility to, 1. Last evaluated: 2024-01-08. Review status: flagged submission. Criteria: ACMG Guidelines, 2015. Collection method: clinical testing. Allele origin: germline. Inheritance: Autosomal dominant inheritance. Observed: 3 variant alleles, 3 heterozygotes. Not counted in ClinVar's aggregate classification.
Comment: This missense variant replaces arginine with glutamine at codon 552 of the RYR1 protein. Computational prediction suggests that this variant may have deleterious impact on protein structure and function (internally defined REVEL score threshold >= 0.7, PMID: 27666373). Although functional studies have not been reported for this variant, it occurs in a region of RYR1 considered to be a hotspot for pathogenic variants that contribute to malignant hyperthermia susceptibility (PMID: 21118704). This variant has been reported in an individual affected with malignant hyperthermia susceptibility with a personal history of a malignant hyperthermia event (PMID: 24433488). This variant has been identified in 8/251470 chromosomes in the general population by the Genome Aggregation Database (gnomAD). A different variant affecting the same codon, c.1654C>T (p.Arg552Trp), is considered to be pathogenic (ClinVar Variation ID: 133106), suggesting that Arg at this position is important for RYR1 protein function. The available evidence is insufficient to determine the role of this variant in disease conclusively. Therefore, this variant is classified as a Variant of Uncertain Significance.

This study involves interpretation of variants in research participants for the purpose of population health screening. Participant phenotype was not available at the time of variant classification. Additional details can be found in publication PMID: 35346344, PMCID: PMC8962531
ClinVar note: Notes: Lab submitted a classification of likely pathogenic but calls variant uncertain significance in summary.
ClinVar note: Reason: Other submission error

Literature cited by the submitters: PubMed 24433488 (cited by 6 submitters); PubMed 24627108 (cited by 4 submitters); PubMed 27245685 (cited by Women's Health and Genetics/Laboratory Corporation of America, LabCorp); PubMed 36196089 (cited by Women's Health and Genetics/Laboratory Corporation of America, LabCorp); PubMed 9138151 (cited by 3 submitters); PubMed 9334205 (cited by Labcorp Genetics (formerly Invitae), Labcorp); PubMed 9873004 (cited by Labcorp Genetics (formerly Invitae), Labcorp); PubMed 30236257 (cited by Labcorp Genetics (formerly Invitae), Labcorp); PubMed 21118704 (cited by 3 submitters); PubMed 33767344 (cited by Laboratory for Molecular Medicine, Mass General Brigham Personalized Medicine and 3billion).